The following is an entry in ClinVar:

ClinVar aggregate classification (germline): Likely benign (1 of 4 stars; one submission).

gnomAD v4.1: 1 of 1,614,220 alleles (0.000062%); highest among the groups gnomAD compares: South Asian, 0.0011%; no homozygotes.

Submission:

CeGaT Center for Human Genetics Tuebingen
Classification: Likely benign. Last evaluated: 2025-09-01. Review status: criteria provided, single submitter. Criteria: CeGaT Center For Human Genetics Tuebingen Variant Classification Criteria Version 2. Collection method: clinical testing. Allele origin: germline. Affected: yes. Observed: 1 variant allele.
Comment: TRIP12: BP4, BP7

NM_001348323.3(TRIP12):c.5586T>C (p.Val1862=)

Gene: TRIP12 (thyroid hormone receptor interactor 12; minus strand). Cytogenetic location: 2q36.3.
Variant type: single nucleotide variant.
Coding change: c.5586T>C on transcript NM_001348323.3 (MANE Select); coding-DNA position 5586, T replaced by C.
Protein change: p.Val1862=; no amino-acid change (valine 1862 retained).
Molecular consequence: synonymous variant.
Genome position (GRCh38, 1-based): chr2:229,774,205, A>G on the plus strand (T>C on the coding strand, the complement: TRIP12 is on the minus strand). VCF-style: chr2-229774205-A-G. GRCh37 (hg19) VCF-style: chr2-230638921-A-G.
Other names: c.5505T>C, p.Val1835= (NM_001284214.2, NM_001348315.2); c.5460T>C, p.Val1820= (NM_001284215.2, NM_001348316.2); c.4551T>C, p.Val1517= (NM_001284216.2); c.5445T>C, p.Val1815= (NM_001348317.1, NM_001348318.2); c.5571T>C, p.Val1857= (NM_001348319.1, NM_001348320.2); c.5574T>C, p.Val1858= (NM_001348321.1); c.5586T>C, p.Val1862= (NM_001348322.1, NM_001348324.2, NM_001348325.2 and 2 more transcripts); c.5589T>C, p.Val1863= (NM_001348328.1, NM_001348329.2, NM_001348330.2); and 4 more.
Identifiers: ClinVar variation 4281542 (VCV004281542.7).
Genomic context (GRCh38, chr2:229,774,205, plus strand): 5'-TCCTTTCTTCAGTTCGATATTGGGAAACCCTGGCAGAGTGAAATCCAGTCCTAGATCTTC[A>G]ACTGAGCAGCCATTCATAGTCAAGGTTTCTAATGCATACTGTAGACTCTCTTTGGTCTAA-3'
Protein context (NP_001335252.1, residues 1852-1872): LETLTMNGCS[Val1862=]EDLGLDFTLP